The following is an entry in ClinVar:

ClinVar aggregate classification (germline): Uncertain significance (1 of 4 stars; one submission).

Submission:

Labcorp Genetics (formerly Invitae), Labcorp
Classification: Uncertain significance. Last evaluated: 2025-07-16. Review status: criteria provided, single submitter. Criteria: Invitae Variant Classification Sherloc (09022015). Collection method: clinical testing. Allele origin: germline.
Comment: This sequence change replaces lysine, which is basic and polar, with arginine, which is basic and polar, at codon 1073 of the STAG2 protein (p.Lys1073Arg). This variant is not present in population databases (gnomAD no frequency). This variant has not been reported in the literature in individuals affected with STAG2-related conditions. Invitae Evidence Modeling of protein sequence and biophysical properties (such as structural, functional, and spatial information, amino acid conservation, physicochemical variation, residue mobility, and thermodynamic stability) indicates that this missense variant is not expected to disrupt STAG2 protein function with a negative predictive value of 80%. In summary, the available evidence is currently insufficient to determine the role of this variant in disease. Therefore, it has been classified as a Variant of Uncertain Significance.

NM_001042750.2(STAG2):c.3218A>G (p.Lys1073Arg)

Gene: STAG2 (STAG2 cohesin complex component; plus strand). Cytogenetic location: Xq25.
Variant type: single nucleotide variant.
Coding change: c.3218A>G on transcript NM_001042750.2 (MANE Select); coding-DNA position 3218, A replaced by G.
Protein change: p.Lys1073Arg; replaces lysine 1073 with arginine.
Molecular consequence: missense variant.
Genome position (GRCh38, 1-based): chrX:124,086,711, A>G. VCF-style: chrX-124086711-A-G. GRCh37 (hg19) VCF-style: chrX-123220561-A-G.
Other names: c.3218A>G, p.Lys1073Arg (NM_001042749.2, NM_001042751.2, NM_001282418.2 and 23 more transcripts); short protein forms K1073R.
Identifiers: ClinVar variation 4742449 (VCV004742449.1).